The following is an entry in ClinVar:

NM_018012.4(KIF26B):c.2346C>T (p.Val782=)

Gene: KIF26B (kinesin family member 26B; plus strand). Cytogenetic location: 1q44.
Variant type: single nucleotide variant.
Coding change: c.2346C>T on transcript NM_018012.4 (MANE Select); coding-DNA position 2346, C replaced by T.
Protein change: p.Val782=; no amino-acid change (valine 782 retained).
Molecular consequence: synonymous variant.
Genome position (GRCh38, 1-based): chr1:245,684,320, C>T. VCF-style: chr1-245684320-C-T. GRCh37 (hg19) VCF-style: chr1-245847622-C-T.
Identifiers: ClinVar variation 3038240 (VCV003038240.2), dbSNP rs61831276, ClinGen allele CA1487960.

ClinVar aggregate classification (germline): Benign (0 of 4 stars; one submission).

Conditions:
KIF26B-related disorder. Also called: KIF26B-related condition.

Allele frequency attached by ClinVar (database versions not stated): TOPMed 0.01594; ESP Exome Variant Server 0.01602; gnomAD 0.02186; 1000 Genomes Project 30x 0.02577; 1000 Genomes Project 0.02835; ExAC 0.02920.
gnomAD v4.1: 41,621 of 1,613,790 alleles (2.6%); highest among the groups gnomAD compares: South Asian, 6.4%; 825 homozygotes.

Submission:

PreventionGenetics, part of Exact Sciences
Classification: Benign for KIF26B-related condition. Last evaluated: 2019-04-24. Review status: no assertion criteria provided. Collection method: clinical testing. Allele origin: germline.
Comment: This variant is classified as benign based on ACMG/AMP sequence variant interpretation guidelines (Richards et al. 2015 PMID: 25741868, with internal and published modifications).